The following is an entry in ClinVar:

ClinVar aggregate classification (germline): Uncertain significance (1 of 4 stars; one submission).

Conditions:
Glycogen storage disease, type II (IOPD). Also called: Pompe Disease; CARDIOMEGALIA GLYCOGENICA DIFFUSA; GLYCOGENOSIS, GENERALIZED, CARDIAC FORM; GSD II; POMPE DISEASE, INFANTILE-ONSET; GLYCOGEN STORAGE DISEASE II, INFANTILE-ONSET. Identifiers: Orphanet 365, MedGen C0017921, MONDO:0009290, OMIM 232300.

Submission:

Genomenon, Inc
Classification: Uncertain significance for Glycogen storage disease, type II. Last evaluated: 2026-07-01. Review status: criteria provided, single submitter. Criteria: Genomenon Sequence Variant Interpretation Standards - Updated. Collection method: curation. Allele origin: germline. Affected: yes.
Comment: GAA p.Met173del (c.517_519del) is an in-frame deletion that results in the loss of Methionine at codon 173. This variant has been observed in at least one proband with a GAA-related disorder (PMID:28196920). It is absent or not present at a significant frequency in gnomAD. In conclusion, we classify GAA p.Met173del (c.517_519del) as a variant of uncertain significance.

Literature cited by the submitters: PubMed 28196920.

NM_000152.5(GAA):c.514ATG[1] (p.Met173del)

Gene: GAA (alpha glucosidase; plus strand). Cytogenetic location: 17q25.3.
Variant type: Microsatellite.
Coding change: c.514ATG[1] on transcript NM_000152.5 (MANE Select); one copy of the 3-base unit ATG starting at c.514; the reference has two copies in a row; one copy, 3 bases deleted; also written c.517_519del.
Protein change: p.Met173del; deletes methionine 173.
Molecular consequence: inframe deletion.
Genome position (GRCh38, 1-based): chr17:80,105,103-80,105,105, ATG deleted; deleting any 3 consecutive bases within chr17:80,105,098-80,105,105 gives the same sequence; the position shown is the placement nearest the transcript's 3' end. VCF-style (leftmost placement, unchanged base first): chr17-80105097-GTGA-G. GRCh37 (hg19) VCF-style: chr17-78078896-GTGA-G.
Other names: c.517_519del (NM_000152.5); c.514ATG[1], p.Met173del (NM_001079803.3, NM_001079804.3, NM_001406741.1 and 1 more transcripts); short protein forms M173del.
Identifiers: ClinVar variation 4876601 (VCV004876601.1).